The following is an entry in ClinVar:

ClinVar aggregate classification (germline): Uncertain significance (1 of 4 stars; one submission).

gnomAD v4.1: 5 of 1,606,776 alleles (0.00031%); highest among the groups gnomAD compares: Non-Finnish European, 0.00043%; no homozygotes.

Submission:

Labcorp Genetics (formerly Invitae), Labcorp
Classification: Uncertain significance. Last evaluated: 2022-07-25. Review status: criteria provided, single submitter. Criteria: Invitae Variant Classification Sherloc (09022015). Collection method: clinical testing. Allele origin: germline.
Comment: This sequence change affects codon 699 of the NBAS mRNA. It is a 'silent' change, meaning that it does not change the encoded amino acid sequence of the NBAS protein. This variant also falls at the last nucleotide of exon 19, which is part of the consensus splice site for this exon. This variant is not present in population databases (gnomAD no frequency). This variant has not been reported in the literature in individuals affected with NBAS-related conditions. ClinVar contains an entry for this variant (Variation ID: 1470054). Variants that disrupt the consensus splice site are a relatively common cause of aberrant splicing (PMID: 17576681, 9536098). Algorithms developed to predict the effect of sequence changes on RNA splicing suggest that this variant may disrupt the consensus splice site. In summary, the available evidence is currently insufficient to determine the role of this variant in disease. Therefore, it has been classified as a Variant of Uncertain Significance.

Literature cited by the submitters: PubMed 17576681; PubMed 9536098.

NM_015909.4(NBAS):c.2097G>A (p.Glu699=)

Gene: NBAS (NBAS subunit of NRZ tethering complex; minus strand). Cytogenetic location: 2p24.3.
Variant type: single nucleotide variant.
Coding change: c.2097G>A on transcript NM_015909.4 (MANE Select); coding-DNA position 2097, G replaced by A.
Protein change: p.Glu699=; no amino-acid change (glutamic acid 699 retained).
Molecular consequence: synonymous variant. On other transcripts: non-coding transcript variant (1).
Genome position (GRCh38, 1-based): chr2:15,467,329, C>T on the plus strand (G>A on the coding strand, the complement: NBAS is on the minus strand). VCF-style: chr2-15467329-C-T. GRCh37 (hg19) VCF-style: chr2-15607453-C-T.
Identifiers: ClinVar variation 1470054 (VCV001470054.3), dbSNP rs2148571850, ClinGen allele CA424869694.